The following is an entry in ClinVar:

ClinVar aggregate classification (germline): Pathogenic (1 of 4 stars; one submission).

Conditions:
Hereditary cancer-predisposing syndrome. Also called: Neoplastic Syndromes, Hereditary; Tumor predisposition; Hereditary Cancer Syndrome; Hereditary neoplastic syndrome. Identifiers: Orphanet 140162, MedGen C0027672, MeSH D009386, MONDO:0015356.

Submission:

Ambry Genetics
Classification: Pathogenic for Hereditary cancer-predisposing syndrome. Last evaluated: 2019-04-03. Review status: criteria provided, single submitter. Criteria: Ambry Variant Classification Scheme 2023. Collection method: clinical testing. Allele origin: germline.
Comment: The c.2177delC pathogenic mutation, located in coding exon 13 of the PMS2 gene, results from a deletion of one nucleotide at nucleotide position 2177, causing a translational frameshift with a predicted alternate stop codon (p.P726Lfs*6). This alteration is expected to result in loss of function by premature protein truncation or nonsense-mediated mRNA decay. As such, this alteration is interpreted as a disease-causing mutation.

NM_000535.7(PMS2):c.2177del (p.Pro726fs)

Gene: PMS2 (PMS1 homolog 2, mismatch repair system component; minus strand). Cytogenetic location: 7p22.1.
Variant type: Deletion.
Coding change: c.2177del on transcript NM_000535.7 (MANE Select); coding-DNA position 2177, one base deleted (C; older notation c.2177delC).
Protein change: p.Pro726fs; shifts the reading frame from proline 726.
Molecular consequence: frameshift variant. On other transcripts: non-coding transcript variant (1).
Genome position (GRCh38, 1-based): chr7:5,978,694, G deleted on the plus strand (C on the coding strand, the reverse complement: PMS2 is on the minus strand); the first of 2 consecutive G bases (chr7:5,978,694-5,978,695); deleting either gives the same sequence. VCF-style (leftmost placement, unchanged base first): chr7-5978693-AG-A. GRCh37 (hg19) VCF-style: chr7-6018324-AG-A.
Other names: c.1867delC, p.Pro623Leufs (NM_001406878.1, NM_001406882.1, NM_001406879.1 and 4 more transcripts); c.1858delC, p.Pro620Leufs (NM_001406883.1, NM_001406876.1); c.1771delC, p.Pro591Leufs (NM_001018040.1, NM_001406887.1, NM_001406888.1 and 11 more transcripts); c.1772del, p.Pro591fs (NM_001322003.2, NM_001322004.2, NM_001322005.2 and 1 more transcripts); c.2021del, p.Pro674fs (NM_001322006.2); c.1859del, p.Pro620fs (NM_001322007.2, NM_001322008.2); c.1616del, p.Pro539fs (NM_001322010.2); c.1244del, p.Pro415fs (NM_001322011.2, NM_001322012.2); and 21 more; short protein forms P539fs, P674fs, P415fs, P620fs, P535fs, P591fs, P623fs, P726fs.
Identifiers: ClinVar variation 1787201 (VCV001787201.2), dbSNP rs2535401325, ClinGen allele CA2580076827.